The following is an entry in ClinVar:

ClinVar aggregate classification (germline): Uncertain significance. Review status: criteria provided, multiple submitters, no conflicts (2 of 4 stars). 2 submissions from 2 submitters: Uncertain significance (2). Last evaluated 2025-09-07.

Conditions:
Episodic ataxia type 2 (EA2). Also called: ATAXIA, EPISODIC, WITH NYSTAGMUS; ATAXIA, FAMILIAL PAROXYSMAL; CEREBELLAR ATAXIA, PAROXYSMAL, ACETAZOLAMIDE-RESPONSIVE; CEREBELLOPATHY, HEREDITARY PAROXYSMAL; EPISODIC ATAXIA, NYSTAGMUS-ASSOCIATED; ACETAZOLAMIDE-RESPONSIVE HEREDITARY PAROXYSMAL CEREBELLAR ATAXIA. Identifiers: Orphanet 97, MedGen C1720416, MONDO:0007163, OMIM 108500.
Developmental and epileptic encephalopathy, 42 (DEE42A). Also called: Epileptic encephalopathy, early infantile, 42; DEVELOPMENTAL AND EPILEPTIC ENCEPHALOPATHY 42A; EPILEPTIC ENCEPHALOPATHY, EARLY INFANTILE, 42A. Identifiers: MedGen C4310716, MONDO:0014917, OMIM 617106.

Allele frequency attached by ClinVar (database versions not stated): TOPMed below 0.00001.

Submissions (2):

Labcorp Genetics (formerly Invitae), Labcorp
Classification: Uncertain significance for Developmental and epileptic encephalopathy, 42; Episodic ataxia type 2. Last evaluated: 2025-09-07. Review status: criteria provided, single submitter. Criteria: Invitae Variant Classification Sherloc (09022015). Collection method: clinical testing. Allele origin: germline.
Comment: This sequence change replaces arginine, which is basic and polar, with histidine, which is basic and polar, at codon 981 of the CACNA1A protein (p.Arg981His). This variant is not present in population databases (gnomAD no frequency). This variant has not been reported in the literature in individuals affected with CACNA1A-related conditions. ClinVar contains an entry for this variant (Variation ID: 1305795). Invitae Evidence Modeling of protein sequence and biophysical properties (such as structural, functional, and spatial information, amino acid conservation, physicochemical variation, residue mobility, and thermodynamic stability) indicates that this missense variant is not expected to disrupt CACNA1A protein function with a negative predictive value of 95%. In summary, the available evidence is currently insufficient to determine the role of this variant in disease. Therefore, it has been classified as a Variant of Uncertain Significance.

GeneDx
Classification: Uncertain significance. Last evaluated: 2019-05-23. Review status: criteria provided, single submitter. Criteria: GeneDx Variant Classification Process June 2021. Collection method: clinical testing. Allele origin: germline. Affected: yes.
Comment: Not observed in large population cohorts (Lek et al., 2016); In silico analysis, which includes protein predictors and evolutionary conservation, supports that this variant does not alter protein structure/function; Has not been previously published as pathogenic or benign to our knowledge

NM_001127222.2(CACNA1A):c.2939G>A (p.Arg980His)

Gene: CACNA1A (calcium voltage-gated channel subunit alpha1 A; minus strand). Cytogenetic location: 19p13.13.
Variant type: single nucleotide variant.
Coding change: c.2939G>A on transcript NM_001127222.2 (MANE Select); coding-DNA position 2939, G replaced by A.
Protein change: p.Arg980His; replaces arginine 980 with histidine.
Molecular consequence: missense variant.
Genome position (GRCh38, 1-based): chr19:13,298,694, C>T on the plus strand (G>A on the coding strand, the complement: CACNA1A is on the minus strand). VCF-style: chr19-13298694-C-T. GRCh37 (hg19) VCF-style: chr19-13409508-C-T.
Other names: c.2951G>A, p.Arg984His (NM_000068.4, NM_023035.3); c.2942G>A, p.Arg981His (NM_001127221.2, NM_001174080.2); short protein forms R980H, R981H, R984H.
Identifiers: ClinVar variation 1305795 (VCV001305795.3), dbSNP rs1422954956, ClinGen allele CA404342403.
Genomic context (GRCh38, chr19:13,298,694, plus strand): 5'-TCGCCCCCGTCGGGGCCCTCGCCCTCGCCCTCGCCGCCCCGGGCCGGCCGGCTGCCCTCG[C>T]GGTGCCGCGCCCTCCGCTCCGCCTTGTCCTCCGGACCCTCCTCCCCGGGCCTGCGGTGCG-3'
Protein context (NP_001120694.1, residues 970-990): EDKAERRARH[Arg980His]EGSRPARGGE